The following is an entry in ClinVar:

NM_024685.4(BBS10):c.2053T>C (p.Tyr685His)

Gene: BBS10 (Bardet-Biedl syndrome 10; minus strand). Cytogenetic location: 12q21.2.
Variant type: single nucleotide variant.
Coding change: c.2053T>C on transcript NM_024685.4 (MANE Select); coding-DNA position 2053, T replaced by C.
Protein change: p.Tyr685His; replaces tyrosine 685 with histidine.
Molecular consequence: missense variant.
Genome position (GRCh38, 1-based): chr12:76,345,932, A>G on the plus strand (T>C on the coding strand, the complement: BBS10 is on the minus strand). VCF-style: chr12-76345932-A-G. GRCh37 (hg19) VCF-style: chr12-76739712-A-G.
Other names: short protein forms Y685H.
Identifiers: ClinVar variation 4988089 (VCV004988089.1).
Genomic context (GRCh38, chr12:76,345,932, plus strand): 5'-TTACCATGTCAATGGTTAATATTTTTGTCAAACACTGAAGAACTGAAGTTAGTAGCTGGT[A>G]TTTACCCATTACTGATTCCAAACCTGTCTGACTGCTTACCAAGGGTTGATTGGTTTGCAG-3'
Protein context (NP_078961.3, residues 675-695): QTGLESVMGK[Tyr685His]QLLTSVLQCL

ClinVar aggregate classification (germline): Uncertain significance (1 of 4 stars; one submission).

Conditions:
BBS10-related disorder. Also called: BBS10-related condition.

Submission:

PreventionGenetics, part of Exact Sciences
Classification: Uncertain significance for BBS10-related condition. Last evaluated: 2026-09-24. Review status: criteria provided, single submitter. Criteria: ACMG Guidelines, 2015. Collection method: clinical testing. Allele origin: germline.
Comment: The BBS10 c.2053T>C variant is predicted to result in the amino acid substitution p.Tyr685His. To our knowledge, this variant has not been reported in the literature or in a large population database (gnomAD), indicating this variant is rare. At this time, the clinical significance of this variant is uncertain due to the absence of conclusive functional and genetic evidence.